The following is an entry in ClinVar:

ClinVar aggregate classification (germline): Uncertain significance (1 of 4 stars; one submission).

Conditions:
Hermansky-Pudlak syndrome 2 (HPS2). Also called: Platelet defects and oculocutaneous albinism. Identifiers: Orphanet 183678, Orphanet 79430, MedGen C1842362, MONDO:0011997, OMIM 608233.

Allele frequency attached by ClinVar (database versions not stated): TOPMed 0.00001.

Submission:

Labcorp Genetics (formerly Invitae), Labcorp
Classification: Uncertain significance for Hermansky-Pudlak syndrome 2. Last evaluated: 2022-05-22. Review status: criteria provided, single submitter. Criteria: Invitae Variant Classification Sherloc (09022015). Collection method: clinical testing. Allele origin: germline.
Comment: Algorithms developed to predict the effect of missense changes on protein structure and function are either unavailable or do not agree on the potential impact of this missense change (SIFT: "Deleterious"; PolyPhen-2: "Possibly Damaging"; Align-GVGD: "Class C0"). In summary, the available evidence is currently insufficient to determine the role of this variant in disease. Therefore, it has been classified as a Variant of Uncertain Significance. This variant has not been reported in the literature in individuals affected with AP3B1-related conditions. This variant is present in population databases (no rsID available, gnomAD 0.006%). This sequence change replaces leucine, which is neutral and non-polar, with arginine, which is basic and polar, at codon 838 of the AP3B1 protein (p.Leu838Arg).

NM_003664.5(AP3B1):c.2513T>G (p.Leu838Arg)

Gene: AP3B1 (adaptor related protein complex 3 subunit beta 1; minus strand). Cytogenetic location: 5q14.1.
Variant type: single nucleotide variant.
Coding change: c.2513T>G on transcript NM_003664.5 (MANE Select); coding-DNA position 2513, T replaced by G.
Protein change: p.Leu838Arg; replaces leucine 838 with arginine.
Molecular consequence: missense variant.
Genome position (GRCh38, 1-based): chr5:78,089,457, A>C on the plus strand (T>G on the coding strand, the complement: AP3B1 is on the minus strand). VCF-style: chr5-78089457-A-C. GRCh37 (hg19) VCF-style: chr5-77385281-A-C.
Other names: c.2366T>G, p.Leu789Arg (NM_001271769.2); c.2513T>G, p.Leu838Arg (NM_001410752.1); short protein forms L789R, L838R.
Identifiers: ClinVar variation 2041307 (VCV002041307.4), dbSNP rs1162411528, ClinGen allele CA360333127.
Genomic context (GRCh38, chr5:78,089,457, plus strand): 5'-ATGACTGAAGAGGAAGTTGACAAGTGTAAACCTTCAAGATCAGCCATCAAACTTGGAGAA[A>C]GAGCTGGTGTGGGAAGTGCAACTGGAGTGGATACTGGGTTAACTGTAAGAAAAGGCCCAA-3'
Protein context (NP_003655.3, residues 828-848): STPVALPTPA[Leu838Arg]SPSLMADLEG